The following is an entry in ClinVar:

NM_000321.3(RB1):c.2391del (p.Leu797fs)

Gene: RB1 (RB transcriptional corepressor 1; plus strand). Cytogenetic location: 13q14.2.
Variant type: Deletion.
Coding change: c.2391del on transcript NM_000321.3 (MANE Select); coding-DNA position 2391, one base deleted (A; older notation c.2391delA).
Protein change: p.Leu797fs; shifts the reading frame from leucine 797.
Molecular consequence: frameshift variant.
Genome position (GRCh38, 1-based): chr13:48,465,270, A deleted. VCF-style (leftmost placement, unchanged base first): chr13-48465269-TA-T. GRCh37 (hg19) VCF-style: chr13-49039405-TA-T.
Other names: c.2391del, p.Leu797fs (NM_001407165.1); short protein forms L797fs.
Identifiers: ClinVar variation 3237090 (VCV003237090.1), dbSNP rs2542375867.

ClinVar aggregate classification (germline): Pathogenic (1 of 4 stars; one submission).

Conditions:
Retinoblastoma (RB1). Also called: RETINOBLASTOMA, SOMATIC. Identifiers: Orphanet 790, MedGen C0035335, MeSH D012175, MONDO:0008380, OMIM 180200, HP:0009919. Disease mechanism: loss of function. Inheritance: Both sporadic and heritable forms are tested..

Submission:

Genetic Diagnostic Laboratory, University of Pennsylvania School of Medicine
Classification: Pathogenic for Retinoblastoma. Last evaluated: 2024-05-20. Review status: criteria provided, single submitter. Criteria: ACMG Guidelines, 2015. Collection method: clinical testing. Allele origin: germline. Affected: yes. Observed: 1 variant allele.
Comment: Case and Pedigree Information: BILATERAL CASES:1, UNILATERAL CASES:0, TOTAL CASES:1, PEDIGREES:1. ACMG Codes Applied:PVS1, PM2